The following is an entry in ClinVar:

NM_001384732.1(CPLANE1):c.3949A>G (p.Met1317Val)

Gene: CPLANE1 (ciliogenesis and planar polarity effector complex subunit 1; minus strand). Cytogenetic location: 5p13.2.
Variant type: single nucleotide variant.
Coding change: c.3949A>G on transcript NM_001384732.1 (MANE Select); coding-DNA position 3949, A replaced by G.
Protein change: p.Met1317Val; replaces methionine 1317 with valine.
Molecular consequence: missense variant.
Genome position (GRCh38, 1-based): chr5:37,187,545, T>C on the plus strand (A>G on the coding strand, the complement: CPLANE1 is on the minus strand). VCF-style: chr5-37187545-T-C. GRCh37 (hg19) VCF-style: chr5-37187647-T-C.
Other names: c.3949A>G, p.Met1317Val (NM_023073.4); c.3949A>G (NM_023073.3); short protein forms M1317V.
Identifiers: ClinVar variation 1491875 (VCV001491875.6), dbSNP rs1474739966, ClinGen allele CA359506648.
Genomic context (GRCh38, chr5:37,187,545, plus strand): 5'-ACCGAGAGAAAGGCAGCATTCTATAAGCCCATTCCACTGCACTAAGACAGTGCTCAATCA[T>C]ACAAGAATCAAACTCCACTTCAAGGTCCTAAAAGGATATTGAAAAACATTCATTTCCTTT-3'
Protein context (NP_001371661.1, residues 1307-1327): KDLEVEFDSC[Met1317Val]IEHCLSAVEW

ClinVar aggregate classification (germline): Conflicting classifications of pathogenicity. Review status: criteria provided, conflicting classifications (1 of 4 stars). 2 submissions from 2 submitters: Uncertain significance (1); Likely benign (1). Last evaluated 2026-02-24.

Conditions:
Inborn genetic diseases. Identifiers: MedGen C0950123, MeSH D030342.

Allele frequency attached by ClinVar (database versions not stated): gnomAD exomes below 0.00001; TOPMed below 0.00001.

Submissions (2):

Ambry Genetics
Classification: Likely benign for Inborn genetic diseases. Last evaluated: 2026-02-24. Review status: criteria provided, single submitter. Criteria: Ambry Variant Classification Scheme 2023. Collection method: clinical testing. Allele origin: germline.

Labcorp Genetics (formerly Invitae), Labcorp
Classification: Uncertain significance. Last evaluated: 2024-11-11. Review status: criteria provided, single submitter. Criteria: Invitae Variant Classification Sherloc (09022015). Collection method: clinical testing. Allele origin: germline.
Comment: This sequence change replaces methionine, which is neutral and non-polar, with valine, which is neutral and non-polar, at codon 1317 of the CPLANE1 protein (p.Met1317Val). This variant is present in population databases (no rsID available, gnomAD 0.003%). This variant has not been reported in the literature in individuals affected with CPLANE1-related conditions. ClinVar contains an entry for this variant (Variation ID: 1491875). Invitae Evidence Modeling of protein sequence and biophysical properties (such as structural, functional, and spatial information, amino acid conservation, physicochemical variation, residue mobility, and thermodynamic stability) indicates that this missense variant is not expected to disrupt CPLANE1 protein function with a negative predictive value of 95%. In summary, the available evidence is currently insufficient to determine the role of this variant in disease. Therefore, it has been classified as a Variant of Uncertain Significance.